The following is an entry in ClinVar:

ClinVar aggregate classification (germline): Benign. Review status: criteria provided, multiple submitters, no conflicts (2 of 4 stars). 2 submissions from 2 submitters: Benign (2). Last evaluated 2018-06-14.

Allele frequency attached by ClinVar (database versions not stated): gnomAD exomes 0.92958; gnomAD 0.94676 and 0.94900; TOPMed 0.95235; 1000 Genomes Project 0.95447; 1000 Genomes Project 30x 0.95550.
gnomAD v4.1: 833,185 of 893,158 alleles (93%); highest among the groups gnomAD compares: East Asian, 100%; 389,051 homozygotes.

Submissions (2):

GeneDx
Classification: Benign. Last evaluated: 2018-06-14. Review status: criteria provided, single submitter. Criteria: GeneDx Variant Classification (06012015). Collection method: clinical testing. Allele origin: germline. Affected: yes.
Comment: This variant is considered likely benign or benign based on one or more of the following criteria: it is a conservative change, it occurs at a poorly conserved position in the protein, it is predicted to be benign by multiple in silico algorithms, and/or has population frequency not consistent with disease.

Breakthrough Genomics
Classification: Benign. Review status: criteria provided, single submitter. Criteria: ACMG Guidelines, 2015. Collection method: not provided. Allele origin: germline. Inheritance: Autosomal recessive inheritance. Affected: yes.

NM_003850.3(SUCLA2):c.272-130T>C

Gene: SUCLA2 (succinate-CoA ligase ADP-forming subunit beta; minus strand). Cytogenetic location: 13q14.2.
Variant type: single nucleotide variant.
Coding change: c.272-130T>C on transcript NM_003850.3 (MANE Select); 130 bases into the intron before coding-DNA position 272, T replaced by C.
Molecular consequence: intron variant.
Genome position (GRCh38, 1-based): chr13:47,989,111, A>G on the plus strand (T>C on the coding strand, the complement: SUCLA2 is on the minus strand). VCF-style: chr13-47989111-A-G. GRCh37 (hg19) VCF-style: chr13-48563246-A-G.
Identifiers: ClinVar variation 676421 (VCV000676421.2), dbSNP rs6561425, ClinGen allele CA16467775.